The following is an entry in ClinVar:

NM_014611.3(MDN1):c.5374G>C (p.Asp1792His)

Gene: MDN1 (midasin AAA ATPase 1; minus strand). Cytogenetic location: 6q15.
Variant type: single nucleotide variant.
Coding change: c.5374G>C on transcript NM_014611.3 (MANE Select); coding-DNA position 5374, G replaced by C.
Protein change: p.Asp1792His; replaces aspartic acid 1792 with histidine.
Molecular consequence: missense variant.
Genome position (GRCh38, 1-based): chr6:89,727,931, C>G on the plus strand (G>C on the coding strand, the complement: MDN1 is on the minus strand). VCF-style: chr6-89727931-C-G. GRCh37 (hg19) VCF-style: chr6-90437650-C-G.
Other names: short protein forms D1792H.
Identifiers: ClinVar variation 3045035 (VCV003045035.2), dbSNP rs113708253, ClinGen allele CA3924855.

ClinVar aggregate classification (germline): Likely benign (0 of 4 stars; one submission).

Conditions:
MDN1-related disorder. Also called: MDN1-related condition.

Allele frequency attached by ClinVar (database versions not stated): ExAC 0.00023; ESP Exome Variant Server 0.00069; gnomAD 0.00070; TOPMed 0.00077; 1000 Genomes Project 30x 0.00094; 1000 Genomes Project 0.00100.
gnomAD v4.1: 203 of 1,613,880 alleles (0.013%); highest among the groups gnomAD compares: African/African-American, 0.21%; no homozygotes.

Submission:

PreventionGenetics, part of Exact Sciences
Classification: Likely benign for MDN1-related condition. Last evaluated: 2023-07-16. Review status: no assertion criteria provided. Collection method: clinical testing. Allele origin: germline.
Comment: This variant is classified as likely benign based on ACMG/AMP sequence variant interpretation guidelines (Richards et al. 2015 PMID: 25741868, with internal and published modifications).